The following is an entry in ClinVar:

ClinVar aggregate classification (germline): Uncertain significance (1 of 4 stars; one submission).

Conditions:
Rhabdoid tumor predisposition syndrome 2 (RTPS2). Identifiers: Orphanet 231108, Orphanet 69077, MedGen C2750074, MONDO:0013224, OMIM 613325.

Submission:

Labcorp Genetics (formerly Invitae), Labcorp
Classification: Uncertain significance for Rhabdoid tumor predisposition syndrome 2. Last evaluated: 2025-03-23. Review status: criteria provided, single submitter. Criteria: Invitae Variant Classification Sherloc (09022015). Collection method: clinical testing. Allele origin: germline.
Comment: This sequence change falls in intron 6 of the SMARCA4 gene. It does not directly change the encoded amino acid sequence of the SMARCA4 protein. Information on the frequency of this variant in the gnomAD database is not available, as this variant may be reported differently in the database. This variant has not been reported in the literature in individuals affected with SMARCA4-related conditions. Experimental studies and prediction algorithms are not available or were not evaluated, and the effect of this variant on mRNA splicing is currently unknown. In summary, the available evidence is currently insufficient to determine the role of this variant in disease. Therefore, it has been classified as a Variant of Uncertain Significance.

NM_003072.5(SMARCA4):c.1118+12_1118+13delinsTT

Gene: SMARCA4 (SWI/SNF related BAF chromatin remodeling complex subunit ATPase 4; plus strand). Cytogenetic location: 19p13.2.
Variant type: Indel.
Coding change: c.1118+12_1118+13delinsTT on transcript NM_003072.5 (MANE Select); bases 12 to 13 of the intron after coding-DNA position 1118, GC replaced by TT.
Molecular consequence: intron variant.
Genome position (GRCh38, 1-based): chr19:10,987,936-10,987,937, GC replaced by TT. VCF-style: chr19-10987936-GC-TT. GRCh37 (hg19) VCF-style: chr19-11098612-GC-TT.
Other names: c.1118+12_1118+13delinsTT (NM_001128844.3, NM_001128849.3, NM_001128847.4 and 6 more transcripts).
Identifiers: ClinVar variation 4715713 (VCV004715713.1).